The following is an entry in ClinVar:

NM_002907.4(RECQL):c.1136A>C (p.Asp379Ala)

Gene: RECQL (RecQ like helicase; minus strand). Cytogenetic location: 12p12.1.
Variant type: single nucleotide variant.
Coding change: c.1136A>C on transcript NM_002907.4 (MANE Select); coding-DNA position 1136, A replaced by C.
Protein change: p.Asp379Ala; replaces aspartic acid 379 with alanine.
Molecular consequence: missense variant.
Genome position (GRCh38, 1-based): chr12:21,475,548, T>G on the plus strand (A>C on the coding strand, the complement: RECQL is on the minus strand). VCF-style: chr12-21475548-T-G. GRCh37 (hg19) VCF-style: chr12-21628482-T-G.
Other names: c.1136A>C, p.Asp379Ala (NM_032941.3); short protein forms D379A.
Identifiers: ClinVar variation 4152331 (VCV004152331.1).
Genomic context (GRCh38, chr12:21,475,548, plus strand): 5'-TAATAATTTTCCATGGATTTACTCATTGAATGATGGATAACAAACCTCACATCTGGCTTA[T>G]CAATTCCCATACCAAATGCAACAGTTGCCACTACTACCTGAAATATTTTAACATTTTATC-3'
Protein context (NP_002898.2, residues 369-389): VATVAFGMGI[Asp379Ala]KPDVRFVIHH

ClinVar aggregate classification (germline): Uncertain significance (1 of 4 stars; one submission).

Submission:

Ambry Genetics
Classification: Uncertain significance. Last evaluated: 2025-09-11. Review status: criteria provided, single submitter. Criteria: Ambry Variant Classification Scheme 2023. Collection method: clinical testing. Allele origin: germline.
Comment: The p.D379A variant (also known as c.1136A>C), located in coding exon 9 of the RECQL gene, results from an A to C substitution at nucleotide position 1136. The aspartic acid at codon 379 is replaced by alanine, an amino acid with dissimilar properties. This amino acid position is conserved. In addition, this alteration is predicted to be deleterious by in silico analysis. Based on the available evidence, the clinical significance of this variant remains unclear.